The following is an entry in ClinVar:

ClinVar aggregate classification (germline): Likely benign (1 of 4 stars; one submission).

Allele frequency attached by ClinVar (database versions not stated): gnomAD exomes 0.00762; gnomAD 0.00467; ExAC 0.00550; ESP Exome Variant Server 0.00623; 1000 Genomes Project 30x 0.00094; 1000 Genomes Project 0.00120; TOPMed 0.00455.
gnomAD v4.1: 11,697 of 1,612,742 alleles (0.73%); highest among the groups gnomAD compares: Non-Finnish European, 0.92%; 59 homozygotes.

Submission:

CeGaT Center for Human Genetics Tuebingen
Classification: Likely benign. Last evaluated: 2022-11-01. Review status: criteria provided, single submitter. Criteria: CeGaT Center For Human Genetics Tuebingen Variant Classification Criteria Version 2. Collection method: clinical testing. Allele origin: germline. Affected: yes. Observed: 1 variant allele.
Comment: ENTPD2: BS2

NM_203468.3(ENTPD2):c.532G>A (p.Glu178Lys)

Gene: ENTPD2 (ectonucleoside triphosphate diphosphohydrolase 2; minus strand). Cytogenetic location: 9q34.3.
Variant type: single nucleotide variant.
Coding change: c.532G>A on transcript NM_203468.3 (MANE Select); coding-DNA position 532, G replaced by A.
Protein change: p.Glu178Lys; replaces glutamic acid 178 with lysine.
Molecular consequence: missense variant.
Genome position (GRCh38, 1-based): chr9:137,051,225, C>T on the plus strand (G>A on the coding strand, the complement: ENTPD2 is on the minus strand). VCF-style: chr9-137051225-C-T. GRCh37 (hg19) VCF-style: chr9-139945677-C-T.
Other names: c.532G>A, p.Glu178Lys (NM_001246.4); short protein forms E178K.
Identifiers: ClinVar variation 2659796 (VCV002659796.24), dbSNP rs76730730, ClinGen allele CA5357467.